The following is an entry in ClinVar:

NM_012434.5(SLC17A5):c.50C>T (p.Thr17Met)

Genes: SLC17A5 (solute carrier family 17 member 5; minus strand), LOC129996727 (ATAC-STARR-seq lymphoblastoid silent region 17338; plus strand). Cytogenetic location: 6q13.
Variant type: single nucleotide variant.
Coding change: c.50C>T on transcript NM_012434.5 (MANE Select); coding-DNA position 50, C replaced by T.
Protein change: p.Thr17Met; replaces threonine 17 with methionine.
Molecular consequence: missense variant.
Genome position (GRCh38, 1-based): chr6:73,653,837, G>A on the plus strand (C>T on the coding strand, the complement: SLC17A5 is on the minus strand). VCF-style: chr6-73653837-G-A. GRCh37 (hg19) VCF-style: chr6-74363560-G-A.
Other names: c.16C>T, p.Arg6Trp (NM_001382629.1, NM_001382636.1); c.50C>T, p.Thr17Met (NM_001382630.1, NM_001382631.1, NM_001382632.1 and 3 more transcripts); short protein forms R6W, T17M.
Identifiers: ClinVar variation 1415223 (VCV001415223.8), dbSNP rs2150128046, ClinGen allele CA364720207.

ClinVar aggregate classification (germline): Uncertain significance (1 of 4 stars; one submission).

Conditions:
Salla disease (SD). Also called: Less Severe FSASD (Salla Disease); Sialuria, Finnish type; N-acetylneuraminic acid (NANA) storage disease (NSD); Infantile sialic acid storage disorder (ISSD). Identifiers: Orphanet 309334, Orphanet 834, MedGen C1096903, MONDO:0011449, OMIM 604369.

Submission:

Labcorp Genetics (formerly Invitae), Labcorp
Classification: Uncertain significance for Salla disease. Last evaluated: 2021-12-03. Review status: criteria provided, single submitter. Criteria: Invitae Variant Classification Sherloc (09022015). Collection method: clinical testing. Allele origin: germline.
Comment: This sequence change replaces threonine, which is neutral and polar, with methionine, which is neutral and non-polar, at codon 17 of the SLC17A5 protein (p.Thr17Met). This variant is not present in population databases (gnomAD no frequency). This variant has not been reported in the literature in individuals affected with SLC17A5-related conditions. Algorithms developed to predict the effect of missense changes on protein structure and function (SIFT, PolyPhen-2, Align-GVGD) all suggest that this variant is likely to be tolerated. In summary, the available evidence is currently insufficient to determine the role of this variant in disease. Therefore, it has been classified as a Variant of Uncertain Significance.